The following is an entry in ClinVar:

NM_001481.3(DRC4):c.1387G>A (p.Gly463Arg)

Gene: DRC4 (dynein regulatory complex subunit 4; plus strand). Cytogenetic location: 16q24.3.
Variant type: single nucleotide variant.
Coding change: c.1387G>A on transcript NM_001481.3 (MANE Select); coding-DNA position 1387, G replaced by A.
Protein change: p.Gly463Arg; replaces glycine 463 with arginine.
Molecular consequence: missense variant. On other transcripts: non-coding transcript variant (1).
Genome position (GRCh38, 1-based): chr16:90,043,295, G>A. VCF-style: chr16-90043295-G-A. GRCh37 (hg19) VCF-style: chr16-90109703-G-A.
Other names: c.1138G>A, p.Gly380Arg (NM_001286205.2); c.811G>A, p.Gly271Arg (NM_001286208.2); c.1312G>A, p.Gly438Arg (NM_001286209.2); short protein forms G380R, G463R, G438R, G271R.
Identifiers: ClinVar variation 1397476 (VCV001397476.5), dbSNP rs376265926, ClinGen allele CA8258253.

ClinVar aggregate classification (germline): Uncertain significance (1 of 4 stars; one submission).

Conditions:
Primary ciliary dyskinesia 33. Also called: CILIARY DYSKINESIA, PRIMARY, 33, WITHOUT SITUS INVERSUS. Identifiers: Orphanet 244, MedGen C4225230, MONDO:0014750, OMIM 616726.

Allele frequency attached by ClinVar (database versions not stated): gnomAD exomes 0.00001 and 0.00004; ExAC 0.00003; TOPMed 0.00003; gnomAD 0.00004; ESP Exome Variant Server 0.00008; 1000 Genomes Project 30x 0.00016.
gnomAD v4.1: 18 of 1,613,240 alleles (0.0011%); highest among the groups gnomAD compares: East Asian, 0.0089%; no homozygotes.

Submission:

Labcorp Genetics (formerly Invitae), Labcorp
Classification: Uncertain significance for Primary ciliary dyskinesia 33. Last evaluated: 2022-07-19. Review status: criteria provided, single submitter. Criteria: Invitae Variant Classification Sherloc (09022015). Collection method: clinical testing. Allele origin: germline.
Comment: This sequence change replaces glycine, which is neutral and non-polar, with arginine, which is basic and polar, at codon 463 of the GAS8 protein (p.Gly463Arg). This variant is present in population databases (rs376265926, gnomAD 0.04%). This variant has not been reported in the literature in individuals affected with GAS8-related conditions. ClinVar contains an entry for this variant (Variation ID: 1397476). Algorithms developed to predict the effect of missense changes on protein structure and function are either unavailable or do not agree on the potential impact of this missense change (SIFT: "Deleterious"; PolyPhen-2: "Possibly Damaging"; Align-GVGD: "Class C0"). In summary, the available evidence is currently insufficient to determine the role of this variant in disease. Therefore, it has been classified as a Variant of Uncertain Significance.